The following is an entry in ClinVar:

ClinVar aggregate classification (germline): Uncertain significance (1 of 4 stars; one submission).

Allele frequency attached by ClinVar (database versions not stated): gnomAD exomes below 0.00001.
gnomAD v4.1: 1 of 1,614,210 alleles (0.000062%); highest among the groups gnomAD compares: African/African-American, 0.0013%; no homozygotes.

Submission:

GeneDx
Classification: Uncertain significance. Last evaluated: 2022-11-25. Review status: criteria provided, single submitter. Criteria: GeneDx Variant Classification Process June 2021. Collection method: clinical testing. Allele origin: germline. Affected: yes.
Comment: Not observed at significant frequency in large population cohorts (gnomAD); In silico analysis supports that this missense variant does not alter protein structure/function; Has not been previously published as pathogenic or benign to our knowledge

NM_016333.4(SRRM2):c.4558G>C (p.Glu1520Gln)

Gene: SRRM2 (serine/arginine repetitive matrix 2; plus strand). Cytogenetic location: 16p13.3.
Variant type: single nucleotide variant.
Coding change: c.4558G>C on transcript NM_016333.4 (MANE Select); coding-DNA position 4558, G replaced by C.
Protein change: p.Glu1520Gln; replaces glutamic acid 1520 with glutamine.
Molecular consequence: missense variant.
Genome position (GRCh38, 1-based): chr16:2,765,086, G>C. VCF-style: chr16-2765086-G-C. GRCh37 (hg19) VCF-style: chr16-2815087-G-C.
Other names: short protein forms E1520Q.
Identifiers: ClinVar variation 2503136 (VCV002503136.1), dbSNP rs2505609634, ClinGen allele CA394419476.